The following is an entry in ClinVar:

ClinVar aggregate classification (germline): Uncertain significance (1 of 4 stars; one submission).

Conditions:
Inborn genetic diseases. Identifiers: MedGen C0950123, MeSH D030342.

gnomAD v4.1: 1 of 1,549,016 alleles (0.000065%); no homozygotes.

Submission:

Ambry Genetics
Classification: Uncertain significance for Inborn genetic diseases. Last evaluated: 2025-11-16. Review status: criteria provided, single submitter. Criteria: Ambry Variant Classification Scheme 2023. Collection method: clinical testing. Allele origin: germline.
Comment: The p.P548T variant (also known as c.1642C>A), located in coding exon 11 of the LTBP3 gene, results from a C to A substitution at nucleotide position 1642. The proline at codon 548 is replaced by threonine, an amino acid with highly similar properties. This amino acid position is conserved. In addition, this alteration is predicted to be tolerated by in silico analysis. Based on the available evidence, the clinical significance of this variant remains unclear.

NM_001130144.3(LTBP3):c.1642C>A (p.Pro548Thr)

Gene: LTBP3 (latent transforming growth factor beta binding protein 3; minus strand). Cytogenetic location: 11q13.1.
Variant type: single nucleotide variant.
Coding change: c.1642C>A on transcript NM_001130144.3 (MANE Select); coding-DNA position 1642, C replaced by A.
Protein change: p.Pro548Thr; replaces proline 548 with threonine.
Molecular consequence: missense variant.
Genome position (GRCh38, 1-based): chr11:65,551,204, G>T on the plus strand (C>A on the coding strand, the complement: LTBP3 is on the minus strand). VCF-style: chr11-65551204-G-T. GRCh37 (hg19) VCF-style: chr11-65318675-G-T.
Other names: c.1291C>A, p.Pro431Thr (NM_001164266.1); c.1642C>A, p.Pro548Thr (NM_021070.4); short protein forms P431T, P548T.
Identifiers: ClinVar variation 4624009 (VCV004624009.1).